The following is an entry in ClinVar:

ClinVar aggregate classification (germline): Uncertain significance (1 of 4 stars; one submission).

gnomAD v4.1: 2 of 1,585,676 alleles (0.00013%); highest among the groups gnomAD compares: Non-Finnish European, 0.00017%; no homozygotes.

Submission:

Women's Health and Genetics/Laboratory Corporation of America, LabCorp
Classification: Uncertain significance. Last evaluated: 2026-04-09. Review status: criteria provided, single submitter. Criteria: LabCorp Variant Classification Summary - May 2015. Collection method: clinical testing. Allele origin: germline.
Comment: Variant summary: NEB c.4299+4A>C alters a non-conserved nucleotide located close to a canonical splice site and therefore could affect mRNA splicing, leading to a significantly altered protein sequence. Several computational tools predict a significant impact on normal splicing: Five predict the variant weakens a 5' donor site. One predicts the variant creates a 5' donor site. Two predict the variant strengthens a cryptic 5' donor site. However, these predictions have yet to be confirmed by functional studies. The variant allele was found at a frequency of 4.3e-06 in 232288 control chromosomes. The available data on variant occurrences in the general population are insufficient to allow any conclusion about variant significance. To our knowledge, no occurrence of c.4299+4A>C in individuals affected with NEB-related conditions and no experimental evidence demonstrating its impact on protein function have been reported. No submitters have cited clinical-significance assessments for this variant to ClinVar. Based on the evidence outlined above, the variant was classified as uncertain significance.

NM_001164508.2(NEB):c.4299+4A>C

Gene: NEB (nebulin; minus strand). Cytogenetic location: 2q23.3.
Variant type: single nucleotide variant.
Coding change: c.4299+4A>C on transcript NM_001164508.2 (MANE Select); 4 bases into the intron after coding-DNA position 4299, A replaced by C.
Molecular consequence: intron variant.
Genome position (GRCh38, 1-based): chr2:151,672,365, T>G on the plus strand (A>C on the coding strand, the complement: NEB is on the minus strand). VCF-style: chr2-151672365-T-G. GRCh37 (hg19) VCF-style: chr2-152528879-T-G.
Other names: c.4299+4A>C (NM_001164507.2, NM_001271208.2, NM_004543.5).
Identifiers: ClinVar variation 4848721 (VCV004848721.1).